The following is an entry in ClinVar:

ClinVar aggregate classification (germline): Uncertain significance (1 of 4 stars; one submission).

gnomAD v4.1: 4 of 1,544,864 alleles (0.00026%); highest among the groups gnomAD compares: African/African-American, 0.0014%; no homozygotes.

Submission:

Labcorp Genetics (formerly Invitae), Labcorp
Classification: Uncertain significance. Last evaluated: 2025-02-15. Review status: criteria provided, single submitter. Criteria: Invitae Variant Classification Sherloc (09022015). Collection method: clinical testing. Allele origin: germline.
Comment: This sequence change replaces proline, which is neutral and non-polar, with serine, which is neutral and polar, at codon 733 of the KCNH1 protein (p.Pro733Ser). This variant is present in population databases (rs569720228, gnomAD 0.007%). This variant has not been reported in the literature in individuals affected with KCNH1-related conditions. Invitae Evidence Modeling of protein sequence and biophysical properties (such as structural, functional, and spatial information, amino acid conservation, physicochemical variation, residue mobility, and thermodynamic stability) has been performed for this missense variant. However, the output from this modeling did not meet the statistical confidence thresholds required to predict the impact of this variant on KCNH1 protein function. In summary, the available evidence is currently insufficient to determine the role of this variant in disease. Therefore, it has been classified as a Variant of Uncertain Significance.

NM_172362.3(KCNH1):c.2197C>T (p.Pro733Ser)

Gene: KCNH1 (potassium voltage-gated channel subfamily H member 1; minus strand). Cytogenetic location: 1q32.2.
Variant type: single nucleotide variant.
Coding change: c.2197C>T on transcript NM_172362.3 (MANE Select); coding-DNA position 2197, C replaced by T.
Protein change: p.Pro733Ser; replaces proline 733 with serine.
Molecular consequence: missense variant.
Genome position (GRCh38, 1-based): chr1:210,684,054, G>A on the plus strand (C>T on the coding strand, the complement: KCNH1 is on the minus strand). VCF-style: chr1-210684054-G-A. GRCh37 (hg19) VCF-style: chr1-210857396-G-A.
Other names: c.2116C>T, p.Pro706Ser (NM_002238.4); short protein forms P733S, P706S.
Identifiers: ClinVar variation 4750519 (VCV004750519.1).
Genomic context (GRCh38, chr1:210,684,054, plus strand): 5'-CCAGCCTGGCCTCTTTCTGCTGTCGGAATCTCTGGAAGAGGCGCCGGACAGGGTGGTCCG[G>A]GGGCAAGATCAGGGGGGCCTCATTCTTTCGTTTCATGCGTTCTTCCTCTTCACGTTTCAC-3'
Protein context (NP_758872.1, residues 723-743): RKNEAPLILP[Pro733Ser]DHPVRRLFQR